The following is an entry in ClinVar:

NM_002582.4(PARN):c.388+5G>T

Gene: PARN (poly(A)-specific ribonuclease; minus strand). Cytogenetic location: 16p13.12.
Variant type: single nucleotide variant.
Coding change: c.388+5G>T on transcript NM_002582.4 (MANE Select); 5 bases into the intron after coding-DNA position 388, G replaced by T.
Molecular consequence: intron variant.
Genome position (GRCh38, 1-based): chr16:14,617,585, C>A on the plus strand (G>T on the coding strand, the complement: PARN is on the minus strand). VCF-style: chr16-14617585-C-A. GRCh37 (hg19) VCF-style: chr16-14711442-C-A.
Other names: c.205+5G>T (NM_001134477.3); c.250+5G>T (NM_001242992.2).
Identifiers: ClinVar variation 2443199 (VCV002443199.2), dbSNP rs2508493975, ClinGen allele CA2580090732.
Genomic context (GRCh38, chr16:14,617,585, plus strand): 5'-GACTTACTTCCCAAGGATATTTTGAAGGTTTATAAGCTCTAAAGATAGGTTACCCATAAT[C>A]TTACCATTTCGAAAAACTTTATTAAAATCAAATCCCTGGCTTGCTAGAAAGTCAATGCTG-3'

ClinVar aggregate classification (germline): Uncertain significance (0 of 4 stars; one submission).

Submission:

Genetic Services Laboratory, University of Chicago
Classification: Uncertain significance. Last evaluated: 2022-06-23. Review status: no assertion criteria provided. Collection method: clinical testing. Allele origin: germline. Affected: no.
Comment: DNA sequence analysis of the PARN gene demonstrated a sequence change in intron 6, c.388+5G>T. This change does not appear to have been previously described in individuals with PARN-related disorders and has also not been described in population databases such as ExAC and gnomAD. Based on in-silico splice prediction programs, this sequence change may affect normal splicing of the PARN gene which would result in an abnormal protein, however, functional studies have not been performed to prove this conclusively. It is possible that this sequence change represents a benign sequence change in the PARN gene that has not been identified to date. The functional significance of this sequence change is not known at present and its contribution to this individual's disease phenotype cannot definitively be determined.